The following is an entry in ClinVar:

ClinVar aggregate classification (germline): Conflicting classifications of pathogenicity. Review status: criteria provided, conflicting classifications (1 of 4 stars). 8 submissions from 6 submitters: Uncertain significance (3); Benign (1); Likely benign (3). 1 of the submissions does not count toward it. Last evaluated 2025-12-04.

Conditions:
Hereditary spherocytosis type 4. Also called: SLC4A1-Related Spherocytosis. Identifiers: Orphanet 822, MedGen C2675212, MONDO:0012981, OMIM 612653.
BLOOD GROUP--DIEGO SYSTEM (DI). Identifiers: MedGen C1292286, OMIM 110500.
BLOOD GROUP, WALDNER (WD). Also called: WALDNER BLOOD GROUP ANTIGEN. Identifiers: MedGen C1862191, OMIM 112010.
BLOOD GROUP--FROESE (FR). Also called: FROESE BLOOD GROUP ANTIGEN. Identifiers: MedGen C1832168, OMIM 601551.
BLOOD GROUP--WRIGHT ANTIGEN (WR). Identifiers: MedGen C1862190, OMIM 112050.
BLOOD GROUP--SWANN SYSTEM (SW). Also called: SWANN BLOOD GROUP. Identifiers: MedGen C1832169, OMIM 601550.
Cryohydrocytosis. Also called: CRYOHYDROCYTOSIS DUE TO BAND 3 HEMEL; CRYOHYDROCYTOSIS DUE TO BAND 3 HURSTPIERPOINT; CRYOHYDROCYTOSIS DUE TO BAND 3 BLACKBURN; STOMATOCYTOSIS, COLD-SENSITIVE; Hereditary cryohydrocytosis with normal stomatin. Identifiers: Orphanet 398088, MedGen C1861453, MONDO:0008494, OMIM 185020.
Autosomal dominant distal renal tubular acidosis (DRTA1). Also called: Renal Tubular Acidosis, Type I; RENAL TUBULAR ACIDOSIS, DISTAL, 1; RTA, CLASSIC TYPE; RTA, DISTAL TYPE, AUTOSOMAL DOMINANT; RTA, GRADIENT TYPE. Identifiers: Orphanet 93608, MedGen CN280572, MONDO:0008368, OMIM 179800.
Renal tubular acidosis, distal, 4, with hemolytic anemia. Also called: Renal Tubular Acidosis, Distal, with Hemolytic Anemia. Identifiers: Orphanet 93610, MedGen C5436235, MONDO:0012700, OMIM 611590.
Malaria, susceptibility to. Identifiers: Orphanet 673, MedGen C1970028, MONDO:0021024, OMIM 611162.
Southeast Asian ovalocytosis. Also called: HE, STOMATOCYTIC; Elliptocytosis 4; Stomatocytic elliptocytosis, hereditary; Ovalocytosis, Malaysian-Melanesian-Filipino type. Identifiers: Orphanet 98868, MedGen C1862322, MONDO:0008165, OMIM 166900.
Hemolytic anemia. Identifiers: MedGen C0002878, MONDO:0003664, HP:0001878.

Allele frequency attached by ClinVar (database versions not stated): TOPMed 0.00001; 1000 Genomes Project 30x 0.00016; 1000 Genomes Project 0.00020.

Submissions (8):

Labcorp Genetics (formerly Invitae), Labcorp
Classification: Likely benign. Last evaluated: 2025-12-04. Review status: criteria provided, single submitter. Criteria: Invitae Variant Classification Sherloc (09022015). Collection method: clinical testing. Allele origin: germline.

Fulgent Genetics
Classification: Uncertain significance for BLOOD GROUP--DIEGO SYSTEM; BLOOD GROUP, WALDNER; BLOOD GROUP--WRIGHT ANTIGEN; Southeast Asian ovalocytosis; Autosomal dominant distal renal tubular acidosis; Cryohydrocytosis; BLOOD GROUP--SWANN SYSTEM; BLOOD GROUP--FROESE; Malaria, susceptibility to; Renal tubular acidosis, distal, 4, with hemolytic anemia; Hereditary spherocytosis type 4. Last evaluated: 2024-03-29. Review status: criteria provided, single submitter. Criteria: ACMG Guidelines, 2015. Collection method: clinical testing. Allele origin: germline.

Revvity Omics, Revvity
Classification: Uncertain significance. Last evaluated: 2023-08-16. Review status: criteria provided, single submitter. Criteria: ACMG Guidelines, 2015. Collection method: clinical testing. Allele origin: germline.

New York Genome Center
Classification: Uncertain significance for Autosomal dominant distal renal tubular acidosis. Last evaluated: 2020-06-04. Review status: criteria provided, single submitter. Criteria: NYGC Assertion Criteria 2020. Collection method: clinical testing. Allele origin: inherited. Observed: 1 heterozygote. Study: CSER-NYCKidSeq.
Comment: The inherited heterozygous p.Arg96Cys variant identified in SLC4A1 has been reported in one individual affected with non-recurrent nephrolithiasis [PMID: 30778725]. The patient was heterozygous for the p.Arg96Cys variant and had a familyhistory positive for nephrolithiasis [PMID: 30778725]. The p.Arg96Cys variant has 0.0000698 allele frequency (10 out of 143,260 heterozygous alleles, no homozygotes) in gnomAD(v3) database indicating it is a rare allele in the populations represented in the database. The affected residueis not well conserved. In silico prediction tools provide conflicting interpretatons about potential pathogenicityof this variant. Functional studies to evaluate the effect of this variant on normal functioning of the protein have not been reported in the literature. Based on the current evidence, the inherited p.Arg96Cys variant in the SLC4A1 gene is classified as a variant of uncertain significance.

Illumina Laboratory Services, Illumina
Classification: Benign for Autosomal dominant distal renal tubular acidosis. Last evaluated: 2018-01-12. Review status: criteria provided, single submitter. Criteria: ICSL Variant Classification Criteria 13 December 2019. Collection method: clinical testing. Allele origin: germline.
Comment: This variant was observed in the ICSL laboratory as part of a predisposition screen in an ostensibly healthy population. It had not been previously curated by ICSL or reported in the Human Gene Mutation Database (HGMD: prior to June 1st, 2018), and was therefore a candidate for classification through an automated scoring system. Utilizing variant allele frequency, disease prevalence and penetrance estimates, and inheritance mode, an automated score was calculated to assess if this variant is too frequent to cause the disease. Based on the score and internal cut-off values, a variant classified as benign is not then subjected to further curation. The score for this variant resulted in a classification of benign for this disease.

Illumina Laboratory Services, Illumina
Classification: Likely benign for Hemolytic anemia. Last evaluated: 2018-01-12. Review status: criteria provided, single submitter. Criteria: ICSL Variant Classification Criteria 13 December 2019. Collection method: clinical testing. Allele origin: germline.
Comment: This variant was observed in the ICSL laboratory as part of a predisposition screen in an ostensibly healthy population. It had not been previously curated by ICSL or reported in the Human Gene Mutation Database (HGMD: prior to June 1st, 2018), and was therefore a candidate for classification through an automated scoring system. Utilizing variant allele frequency, disease prevalence and penetrance estimates, and inheritance mode, an automated score was calculated to assess if this variant is too frequent to cause the disease. Based on the score and internal cut-off values, a variant classified as likely benign is not then subjected to further curation. The score for this variant resulted in a classification of likely benign for this disease.

Illumina Laboratory Services, Illumina
Classification: Likely benign for Hereditary spherocytosis type 4. Last evaluated: 2018-01-12. Review status: criteria provided, single submitter. Criteria: ICSL Variant Classification Criteria 13 December 2019. Collection method: clinical testing. Allele origin: germline.
Comment: the same text as in the submission from Illumina Laboratory Services, Illumina above.

Department of Pathology and Laboratory Medicine, Sinai Health System
Classification: Uncertain significance. Review status: no assertion criteria provided. Collection method: clinical testing. Allele origin: unknown. Affected: yes. Study: The Canadian Open Genetics Repository (COGR). Not counted in ClinVar's aggregate classification.
Comment: The SLC4A1 p.R96C variant was identified in a heterozygous individual with nephrolithiasis (Amar_2019_PMID: 30778725). The variant was identified in dbSNP (ID: rs538778224) and ClinVar (classified as likely benign/benign by Illumina). The variant was identified in control databases in 73 of 251312 chromosomes at a frequency of 0.0002905, and was observed at the highest frequency in the South Asian population in 72 of 30616 chromosomes (freq: 0.002352) (Genome Aggregation Database March 6, 2019, v2.1.1). The p.R96 residue is not conserved in mammals and computational analyses (MUT Assesor, PolyPhen-2, SIFT, MutationTaster, Revel, FATHMM, MetaLR, DANN) provide inconsistent predictions regarding the impact to the protein; this information is not very predictive of pathogenicity. The variant occurs outside of the splicing consensus sequence and in silico or computational prediction software programs (Splice AI exome) do not predict a difference in splicing. In summary, based on the above information the clinical significance of this variant cannot be determined with certainty at this time. This variant is classified as a variant of uncertain significance.

NM_000342.4(SLC4A1):c.286C>T (p.Arg96Cys)

Gene: SLC4A1 (solute carrier family 4 member 1 (Diego blood group); minus strand). Cytogenetic location: 17q21.31.
Variant type: single nucleotide variant.
Coding change: c.286C>T on transcript NM_000342.4 (MANE Select); coding-DNA position 286, C replaced by T.
Protein change: p.Arg96Cys; replaces arginine 96 with cysteine.
Molecular consequence: missense variant.
Genome position (GRCh38, 1-based): chr17:44,260,698, G>A on the plus strand (C>T on the coding strand, the complement: SLC4A1 is on the minus strand). VCF-style: chr17-44260698-G-A. GRCh37 (hg19) VCF-style: chr17-42338066-G-A.
Other names: short protein forms R96C.
Identifiers: ClinVar variation 323517 (VCV000323517.18), dbSNP rs538778224, ClinGen allele CA8600651.